The following is an entry in ClinVar:

ClinVar aggregate classification (germline): Likely pathogenic (1 of 4 stars; one submission).

Conditions:
Neurodevelopmental delay. Identifiers: MedGen C4022738, HP:0012758.

Submission:

Oasi Research Institute-IRCCS
Classification: Likely pathogenic for Neurodevelopmental delay. Last evaluated: 2025-02-02. Review status: criteria provided, single submitter. Criteria: ACMG Guidelines, 2015. Collection method: case-control. Allele origin: maternal. Inheritance: Autosomal recessive inheritance. Affected: yes.
Comment: Truncating variant. Diverse tools classified the variant as pathogenic: BayesDel addAF (score = 0.5495); BayesDel noAF (score = 0.5516); EIGEN (score = 10605); EIGEN PC (score = 0.9415); FATHMM-XF (score = 0.1171); MutationTaster (score = 1); ACMG criteria: PP4, PM2, PP3 = Likely Pathogenic. Mode of Inheritance= AR (based on gene information from Domino).

NM_006122.4(MAN2A2):c.3292C>T (p.Gln1098Ter)

Gene: MAN2A2 (mannosidase alpha class 2A member 2; plus strand). Cytogenetic location: 15q26.1.
Variant type: single nucleotide variant.
Coding change: c.3292C>T on transcript NM_006122.4 (MANE Select); coding-DNA position 3292, C replaced by T.
Protein change: p.Gln1098Ter; replaces glutamine 1098 with a stop codon.
Molecular consequence: nonsense. On other transcripts: non-coding transcript variant (3).
Genome position (GRCh38, 1-based): chr15:90,918,747, C>T. VCF-style: chr15-90918747-C-T. GRCh37 (hg19) VCF-style: chr15-91461977-C-T.
Other names: c.3367C>T, p.Gln1123Ter (NM_001320977.2); short protein forms Q1098*, Q1123*.
Identifiers: ClinVar variation 3766447 (VCV003766447.2).